The following is an entry in ClinVar:

NM_207352.4(CYP4V2):c.800G>A (p.Ser267Asn)

Gene: CYP4V2 (cytochrome P450 family 4 subfamily V member 2; plus strand). Cytogenetic location: 4q35.1.
Variant type: single nucleotide variant.
Coding change: c.800G>A on transcript NM_207352.4 (MANE Select); coding-DNA position 800, G replaced by A.
Protein change: p.Ser267Asn; replaces serine 267 with asparagine.
Molecular consequence: missense variant.
Genome position (GRCh38, 1-based): chr4:186,199,082, G>A. VCF-style: chr4-186199082-G-A. GRCh37 (hg19) VCF-style: chr4-187120236-G-A.
Other names: short protein forms S267N.
Identifiers: ClinVar variation 1376602 (VCV001376602.5), dbSNP rs992940688, ClinGen allele CA112126103.

ClinVar aggregate classification (germline): Uncertain significance (1 of 4 stars; one submission).

Allele frequency attached by ClinVar (database versions not stated): gnomAD exomes below 0.00001.
gnomAD v4.1: 1 of 1,613,368 alleles (0.000062%); highest among the groups gnomAD compares: Admixed American, 0.0017%; no homozygotes.

Submission:

Labcorp Genetics (formerly Invitae), Labcorp
Classification: Uncertain significance. Last evaluated: 2022-08-16. Review status: criteria provided, single submitter. Criteria: Invitae Variant Classification Sherloc (09022015). Collection method: clinical testing. Allele origin: germline.
Comment: This sequence change replaces serine, which is neutral and polar, with asparagine, which is neutral and polar, at codon 267 of the CYP4V2 protein (p.Ser267Asn). In summary, the available evidence is currently insufficient to determine the role of this variant in disease. Therefore, it has been classified as a Variant of Uncertain Significance. Algorithms developed to predict the effect of missense changes on protein structure and function output the following: SIFT: "Tolerated"; PolyPhen-2: "Benign"; Align-GVGD: "Class C0". The asparagine amino acid residue is found in multiple mammalian species, which suggests that this missense change does not adversely affect protein function. ClinVar contains an entry for this variant (Variation ID: 1376602). This variant has not been reported in the literature in individuals affected with CYP4V2-related conditions. This variant is not present in population databases (gnomAD no frequency).